The following is an entry in ClinVar:

NM_152564.5(VPS13B):c.416A>T (p.Tyr139Phe)

Gene: VPS13B (vacuolar protein sorting 13 homolog B; plus strand). Cytogenetic location: 8q22.2.
Variant type: single nucleotide variant.
Coding change: c.416A>T on transcript NM_152564.5 (MANE Select); coding-DNA position 416, A replaced by T.
Protein change: p.Tyr139Phe; replaces tyrosine 139 with phenylalanine.
Molecular consequence: missense variant. On other transcripts: non-coding transcript variant (1).
Genome position (GRCh38, 1-based): chr8:99,102,956, A>T. VCF-style: chr8-99102956-A-T. GRCh37 (hg19) VCF-style: chr8-100115184-A-T.
Other names: c.416A>T, p.Tyr139Phe (NM_015243.3, NM_017890.5, NM_181661.3); c.416A>T (NM_152564.4); short protein forms Y139F.
Identifiers: ClinVar variation 955362 (VCV000955362.9), dbSNP rs1226944454, ClinGen allele CA371859215.

ClinVar aggregate classification (germline): Uncertain significance. Review status: criteria provided, multiple submitters, no conflicts (2 of 4 stars). 2 submissions from 2 submitters: Uncertain significance (2). Last evaluated 2025-09-11.

Conditions:
VPS13B-related disorder. Also called: VPS13B-related condition.
Cohen syndrome (COH1). Also called: Cutis verticis gyrata, retinitis pigmentosa, and sensorineural deafness; PEPPER SYNDROME. Identifiers: Orphanet 193, MedGen C0265223, MONDO:0008999, OMIM 216550.

Allele frequency attached by ClinVar (database versions not stated): gnomAD exomes below 0.00001; gnomAD 0.00001; TOPMed 0.00001.
gnomAD v4.1: 2 of 1,601,574 alleles (0.00012%); highest among the groups gnomAD compares: Non-Finnish European, 0.00017%; no homozygotes.

Submissions (2):

PreventionGenetics, part of Exact Sciences
Classification: Uncertain significance for VPS13B-related condition. Last evaluated: 2025-09-11. Review status: criteria provided, single submitter. Criteria: ACMG Guidelines, 2015. Collection method: clinical testing. Allele origin: germline.
Comment: The VPS13B c.416A>T variant is predicted to result in the amino acid substitution p.Tyr139Phe. To our knowledge, this variant has not been reported in the literature or in a large population database (gnomAD), indicating this variant is rare. At this time, the clinical significance of this variant is uncertain due to the absence of conclusive functional and genetic evidence.

Labcorp Genetics (formerly Invitae), Labcorp
Classification: Uncertain significance for Cohen syndrome. Last evaluated: 2023-08-02. Review status: criteria provided, single submitter. Criteria: Invitae Variant Classification Sherloc (09022015). Collection method: clinical testing. Allele origin: germline.
Comment: In summary, the available evidence is currently insufficient to determine the role of this variant in disease. Therefore, it has been classified as a Variant of Uncertain Significance. Advanced modeling of protein sequence and biophysical properties (such as structural, functional, and spatial information, amino acid conservation, physicochemical variation, residue mobility, and thermodynamic stability) performed at Invitae indicates that this missense variant is expected to disrupt VPS13B protein function. ClinVar contains an entry for this variant (Variation ID: 955362). This variant has not been reported in the literature in individuals affected with VPS13B-related conditions. This variant is not present in population databases (gnomAD no frequency). This sequence change replaces tyrosine, which is neutral and polar, with phenylalanine, which is neutral and non-polar, at codon 139 of the VPS13B protein (p.Tyr139Phe).